The following is an entry in ClinVar:

NM_001540.5(HSPB1):c.184G>A (p.Ala62Thr)

Gene: HSPB1 (heat shock protein family B (small) member 1; plus strand). Cytogenetic location: 7q11.23.
Variant type: single nucleotide variant.
Coding change: c.184G>A on transcript NM_001540.5 (MANE Select); coding-DNA position 184, G replaced by A.
Protein change: p.Ala62Thr; replaces alanine 62 with threonine.
Molecular consequence: missense variant.
Genome position (GRCh38, 1-based): chr7:76,302,896, G>A. VCF-style: chr7-76302896-G-A. GRCh37 (hg19) VCF-style: chr7-75932213-G-A.
Other names: c.184G>A (LRG_248t1); short protein forms A62T.
Identifiers: ClinVar variation 423730 (VCV000423730.3), dbSNP rs1064796602, ClinGen allele CA16618561.
Genomic context (GRCh38, chr7:76,302,896, plus strand): 5'-TGGTCGCAGTGGTTAGGCGGCAGCAGCTGGCCAGGCTACGTGCGCCCCCTGCCCCCCGCC[G>A]CCATCGAGAGCCCCGCAGTGGCCGCGCCCGCCTACAGCCGCGCGCTCAGCCGGCAACTCA-3'
Protein context (NP_001531.1, residues 52-72): PGYVRPLPPA[Ala62Thr]IESPAVAAPA

ClinVar aggregate classification (germline): Uncertain significance (1 of 4 stars; one submission).

Conditions:
HSPB1-related disorder. Also called: HSPB1-related condition; HSPB1-related disorders.

Submission:

GeneDx
Classification: Uncertain significance. Last evaluated: 2017-02-20. Review status: criteria provided, single submitter. Criteria: GeneDx Variant Classification (06012015). Collection method: clinical testing. Allele origin: germline. Affected: yes.
Comment: The A62T variant in the HSPB1 gene has not been reported previously as a pathogenic variant, nor as a benign variant, to our knowledge. The A62T variant is not observed in large population cohorts (Lek et al., 2016; 1000 Genomes Consortium et al., 2015; Exome Variant Server). The A62T variant is a non-conservative amino acid substitution, which is likely to impact secondary protein structure as these residues differ in polarity, charge, size and/or other properties. This substitution occurs at a position that is not conserved. In silico analysis predicts this variant likely does not alter the protein structure/function. We interpret A62T as a variant of uncertain significance.